The following is an entry in ClinVar:

NM_024598.4(USB1):c.311C>T (p.Pro104Leu)

Gene: USB1 (U6 snRNA biogenesis phosphodiesterase 1; plus strand). Cytogenetic location: 16q21.
Variant type: single nucleotide variant.
Coding change: c.311C>T on transcript NM_024598.4 (MANE Select); coding-DNA position 311, C replaced by T.
Protein change: p.Pro104Leu; replaces proline 104 with leucine.
Molecular consequence: missense variant.
Genome position (GRCh38, 1-based): chr16:58,009,974, C>T. VCF-style: chr16-58009974-C-T. GRCh37 (hg19) VCF-style: chr16-58043878-C-T.
Other names: c.311C>T, p.Pro104Leu (NM_001195302.2, NM_001204911.2, NM_001330569.2); c.158C>T, p.Pro53Leu (NM_001330568.2); short protein forms P104L, P53L.
Identifiers: ClinVar variation 3813920 (VCV003813920.1).
Genomic context (GRCh38, chr16:58,009,974, plus strand): 5'-ACTCCTCCCCTCCAGATGAAGCCAAGGAGGAGTTCCTGGATCTGCTTGATGTGTTGCTGC[C>T]CCATGCCCAGACATATGTCCCCCGGCTGGTAAGGATGAAGGTGTTCCACCTCAGCCTGTC-3'
Protein context (NP_078874.2, residues 94-114): EFLDLLDVLL[Pro104Leu]HAQTYVPRLV

ClinVar aggregate classification (germline): Uncertain significance (1 of 4 stars; one submission).

Conditions:
Inborn genetic diseases. Identifiers: MedGen C0950123, MeSH D030342.

gnomAD v4.1: 1 of 1,613,898 alleles (0.000062%); highest among the groups gnomAD compares: Non-Finnish European, 0.000085%; no homozygotes.

Submission:

Ambry Genetics
Classification: Uncertain significance for Inborn genetic diseases. Last evaluated: 2025-03-11. Review status: criteria provided, single submitter. Criteria: Ambry Variant Classification Scheme 2023. Collection method: clinical testing. Allele origin: germline.
Comment: The p.P104L variant (also known as c.311C>T), located in coding exon 3 of the USB1 gene, results from a C to T substitution at nucleotide position 311. The proline at codon 104 is replaced by leucine, an amino acid with similar properties. This amino acid position is conserved. In addition, this alteration is predicted to be tolerated by in silico analysis. Based on the available evidence, the clinical significance of this variant remains unclear.